The following is an entry in ClinVar:

ClinVar aggregate classification (germline): Uncertain significance. Review status: criteria provided, multiple submitters, no conflicts (2 of 4 stars). 3 submissions from 3 submitters: Uncertain significance (3). Last evaluated 2026-05-06.

Conditions:
Cardiovascular phenotype. Identifiers: MedGen CN230736.
RASopathy. Also called: Noonan spectrum disorder; rasopathies. Identifiers: Orphanet 536391, MedGen C5555857, MONDO:0021060.

gnomAD v4.1: 6 of 1,614,006 alleles (0.00037%); highest among the groups gnomAD compares: Non-Finnish European, 0.00051%; no homozygotes.

Submissions (3):

Women's Health and Genetics/Laboratory Corporation of America, LabCorp
Classification: Uncertain significance. Last evaluated: 2026-05-06. Review status: criteria provided, single submitter. Criteria: LabCorp Variant Classification Summary - May 2015. Collection method: clinical testing. Allele origin: germline.
Comment: Variant summary: RAF1 c.1513C>T (p.Pro505Ser) results in a non-conservative amino acid change in the encoded protein sequence. Algorithms developed to predict the effect of missense changes on protein structure and function all suggest that this variant is likely to be disruptive. The variant allele was found at a frequency of 4e-06 in 251422 control chromosomes. The available data on variant occurrences in the general population are insufficient to allow any conclusion about variant significance. c.1513C>T has been observed in individual(s) affected with Congenital Heart disease without evidence for causality (Sierant_2025). These report(s) do not provide unequivocal conclusions about association of the variant with Noonan Syndrome And Related Conditions. To our knowledge, no experimental evidence demonstrating an impact on protein function has been reported. The following publication have been ascertained in the context of this evaluation (PMID: 40127276). ClinVar contains an entry for this variant (Variation ID: 1430829). Based on the evidence outlined above, the variant was classified as uncertain significance.

Labcorp Genetics (formerly Invitae), Labcorp
Classification: Uncertain significance for RASopathy. Last evaluated: 2025-03-12. Review status: criteria provided, single submitter. Criteria: Invitae Variant Classification Sherloc (09022015). Collection method: clinical testing. Allele origin: germline.
Comment: This sequence change replaces proline, which is neutral and non-polar, with serine, which is neutral and polar, at codon 505 of the RAF1 protein (p.Pro505Ser). This variant is present in population databases (no rsID available, gnomAD 0.0009%). This variant has not been reported in the literature in individuals affected with RAF1-related conditions. ClinVar contains an entry for this variant (Variation ID: 1430829). Invitae Evidence Modeling incorporating data from in vitro experimental studies (internal data) indicates that this missense variant is not expected to disrupt RAF1 function with a negative predictive value of 80%. In summary, the available evidence is currently insufficient to determine the role of this variant in disease. Therefore, it has been classified as a Variant of Uncertain Significance.

Ambry Genetics
Classification: Uncertain significance for Cardiovascular phenotype. Last evaluated: 2024-02-23. Review status: criteria provided, single submitter. Criteria: Ambry Variant Classification Scheme 2023. Collection method: clinical testing. Allele origin: germline.
Comment: The p.P505S variant (also known as c.1513C>T), located in coding exon 13 of the RAF1 gene, results from a C to T substitution at nucleotide position 1513. The proline at codon 505 is replaced by serine, an amino acid with similar properties. This amino acid position is conserved. In addition, the in silico prediction for this alteration is inconclusive. Based on the available evidence, the clinical significance of this alteration remains unclear.

Literature cited by the submitters: PubMed 40127276 (cited by Women's Health and Genetics/Laboratory Corporation of America, LabCorp).

NM_002880.4(RAF1):c.1513C>T (p.Pro505Ser)

Gene: RAF1 (Raf-1 proto-oncogene, serine/threonine kinase; minus strand). Cytogenetic location: 3p25.2.
Variant type: single nucleotide variant.
Coding change: c.1513C>T on transcript NM_002880.4 (MANE Select); coding-DNA position 1513, C replaced by T.
Protein change: p.Pro505Ser; replaces proline 505 with serine.
Molecular consequence: missense variant. On other transcripts: non-coding transcript variant (3).
Genome position (GRCh38, 1-based): chr3:12,585,704, G>A on the plus strand (C>T on the coding strand, the complement: RAF1 is on the minus strand). VCF-style: chr3-12585704-G-A. GRCh37 (hg19) VCF-style: chr3-12627203-G-A.
Other names: c.1513C>T (NM_002880.3); c.1573C>T, p.Pro525Ser (NM_001354689.3); c.1513C>T, p.Pro505Ser (NM_001354690.3); c.1270C>T, p.Pro424Ser (NM_001354691.3, NM_001354692.3); c.1414C>T, p.Pro472Ser (NM_001354693.3); c.1330C>T, p.Pro444Ser (NM_001354694.3); c.1171C>T, p.Pro391Ser (NM_001354695.3); short protein forms P525S, P505S, P424S, P444S, P391S, P472S.
Identifiers: ClinVar variation 1430829 (VCV001430829.8), dbSNP rs758684190, ClinGen allele CA351498888.